The following is an entry in ClinVar:

NM_000234.3(LIG1):c.244-1G>A

Gene: LIG1 (DNA ligase 1; minus strand). Cytogenetic location: 19q13.33.
Variant type: single nucleotide variant.
Coding change: c.244-1G>A on transcript NM_000234.3 (MANE Select); the canonical splice acceptor site of the intron before coding-DNA position 244, G replaced by A.
Molecular consequence: splice acceptor variant.
Genome position (GRCh38, 1-based): chr19:48,157,141, C>T on the plus strand (G>A on the coding strand, the complement: LIG1 is on the minus strand). VCF-style: chr19-48157141-C-T. GRCh37 (hg19) VCF-style: chr19-48660398-C-T.
Other names: c.154-1G>A (NM_001289063.2, NM_001320971.2); c.244-1G>A (NM_001289064.2, NM_001320970.2).
Identifiers: ClinVar variation 2183783 (VCV002183783.1), dbSNP rs751305793, ClinGen allele CA9547374.

ClinVar aggregate classification (germline): Uncertain significance (1 of 4 stars; one submission).

Allele frequency attached by ClinVar (database versions not stated): ExAC 0.00002; gnomAD exomes 0.00004; gnomAD 0.00006; TOPMed 0.00006.
gnomAD v4.1: 70 of 1,609,540 alleles (0.0043%); highest among the groups gnomAD compares: Middle Eastern, 0.033%; no homozygotes.

Submission:

Labcorp Genetics (formerly Invitae), Labcorp
Classification: Uncertain significance. Last evaluated: 2022-08-19. Review status: criteria provided, single submitter. Criteria: Invitae Variant Classification Sherloc (09022015). Collection method: clinical testing. Allele origin: germline.
Comment: This sequence change affects an acceptor splice site in intron 4 of the LIG1 gene. It is expected to disrupt RNA splicing. Variants that disrupt the donor or acceptor splice site typically lead to a loss of protein function (PMID: 16199547), however the current clinical and genetic evidence is not sufficient to establish whether loss-of-function variants in LIG1 cause disease. This variant is present in population databases (rs751305793, gnomAD 0.01%). This variant has not been reported in the literature in individuals affected with LIG1-related conditions. Algorithms developed to predict the effect of sequence changes on RNA splicing suggest that this variant may disrupt the consensus splice site. In summary, the available evidence is currently insufficient to determine the role of this variant in disease. Therefore, it has been classified as a Variant of Uncertain Significance.

Literature cited by the submitters: PubMed 16199547.